The following is an entry in ClinVar:

ClinVar aggregate classification (germline): Uncertain significance (1 of 4 stars; one submission).

Conditions:
Ehlers-Danlos syndrome, type 4 (EDSVASC). Also called: Ehlers-Danlos syndrome vascular type; Ehlers Danlos syndrome, ecchymotic type; Ehlers Danlos syndrome, arterial type; Ehlers Danlos syndrome, Sack-Barabas type; Ehlers-Danlos Syndrome Type IV. Identifiers: Orphanet 286, MedGen C0268338, MONDO:0017314, OMIM 130050.

Submission:

Labcorp Genetics (formerly Invitae), Labcorp
Classification: Uncertain significance for Ehlers-Danlos syndrome, type 4. Last evaluated: 2018-10-11. Review status: criteria provided, single submitter. Criteria: Invitae Variant Classification Sherloc (09022015). Collection method: clinical testing. Allele origin: germline.
Comment: This sequence change replaces alanine with aspartic acid at codon 784 of the COL3A1 protein (p.Ala784Asp). The alanine residue is moderately conserved and there is a moderate physicochemical difference between alanine and aspartic acid. This variant is not present in population databases (ExAC no frequency). This variant has not been reported in the literature in individuals with COL3A1-related disease. Algorithms developed to predict the effect of missense changes on protein structure and function are either unavailable or do not agree on the potential impact of this missense change (SIFT: "Deleterious"; PolyPhen-2: "Not available"; Align-GVGD: "Class C0"). In summary, the available evidence is currently insufficient to determine the role of this variant in disease. Therefore, it has been classified as a Variant of Uncertain Significance.

NM_000090.4(COL3A1):c.2351C>A (p.Ala784Asp)

Genes: COL3A1 (collagen type III alpha 1 chain; plus strand), LOC126806446 (P300/CBP strongly-dependent group 1 enhancer GRCh37_chr2:189866210-189867409; plus strand). Cytogenetic location: 2q32.2.
Variant type: single nucleotide variant.
Coding change: c.2351C>A on transcript NM_000090.4 (MANE Select); coding-DNA position 2351, C replaced by A.
Protein change: p.Ala784Asp; replaces alanine 784 with aspartic acid.
Molecular consequence: missense variant.
Genome position (GRCh38, 1-based): chr2:189,001,549, C>A. VCF-style: chr2-189001549-C-A. GRCh37 (hg19) VCF-style: chr2-189866275-C-A.
Other names: short protein forms A784D.
Identifiers: ClinVar variation 652701 (VCV000652701.9), dbSNP rs370292679, ClinGen allele CA349842484.